The following is an entry in ClinVar:

ClinVar aggregate classification (germline): Uncertain significance (1 of 4 stars; one submission).

Conditions:
Glycogen storage disease, type II (IOPD). Also called: Pompe Disease; CARDIOMEGALIA GLYCOGENICA DIFFUSA; GLYCOGENOSIS, GENERALIZED, CARDIAC FORM; GSD II; POMPE DISEASE, INFANTILE-ONSET; GLYCOGEN STORAGE DISEASE II, INFANTILE-ONSET. Identifiers: Orphanet 365, MedGen C0017921, MONDO:0009290, OMIM 232300.

Submission:

Genomenon, Inc
Classification: Uncertain significance for Glycogen storage disease, type II. Last evaluated: 2026-07-01. Review status: criteria provided, single submitter. Criteria: Genomenon Sequence Variant Interpretation Standards - Updated. Collection method: curation. Allele origin: germline. Affected: yes.
Comment: GAA p.Glu656del (c.1966_1968del) is an in-frame deletion that results in the loss of Glutamic acid at codon 656. This variant has been observed in at least one proband with a GAA-related disorder in the compound heterozygous and/or homozygous state (PMID:32504392;22791670). It is absent or not present at a significant frequency in gnomAD. In conclusion, we classify GAA p.Glu656del (c.1962_1964del) as a variant of uncertain significance.

Literature cited by the submitters: PubMed 32504392; PubMed 22791670.

NM_000152.5(GAA):c.1963GAG[1] (p.Glu656del)

Gene: GAA (alpha glucosidase; plus strand). Cytogenetic location: 17q25.3.
Variant type: Microsatellite.
Coding change: c.1963GAG[1] on transcript NM_000152.5 (MANE Select); one copy of the 3-base unit GAG starting at c.1963; the reference has two copies in a row; one copy, 3 bases deleted; also written c.1966_1968del.
Protein change: p.Glu656del; deletes glutamic acid 656.
Molecular consequence: inframe deletion.
Genome position (GRCh38, 1-based): chr17:80,112,953-80,112,955, GAG deleted; deleting any 3 consecutive bases within chr17:80,112,950-80,112,955 gives the same sequence; the position shown is the placement nearest the transcript's 3' end. VCF-style (leftmost placement, unchanged base first): chr17-80112949-AGAG-A. GRCh37 (hg19) VCF-style: chr17-78086748-AGAG-A.
Other names: c.1966_1968del (NM_000152.5); c.1963GAG[1], p.Glu656del (NM_001079803.3, NM_001079804.3, NM_001406741.1 and 1 more transcripts); short protein forms E656del.
Identifiers: ClinVar variation 4876485 (VCV004876485.1).
Genomic context (GRCh38, chr17:80,112,949, plus strand): 5'-TAACCTGCTGGGGGTGCCTCTGGTCGGGGCCGACGTCTGCGGCTTCCTGGGCAACACCTC[AGAG>A]GAGCTGTGTGTGCGCTGGACCCAGCTGGGGGCCTTCTACCCCTTCATGCGGAACCACAAC-3'